The following is an entry in ClinVar:

ClinVar aggregate classification (germline): Conflicting classifications of pathogenicity. Review status: criteria provided, conflicting classifications (1 of 4 stars). 4 submissions from 4 submitters: Uncertain significance (1); Benign (2). 1 of the submissions does not count toward it. Last evaluated 2026-03-20.

Conditions:
Familial thoracic aortic aneurysm and aortic dissection (TAAD). Also called: Thoracic aortic aneurysms and dissections. Identifiers: Orphanet 91387, MedGen C4707243, MONDO:0019625.
Heterotopia, periventricular, X-linked dominant (PVNH1). Also called: PERIVENTRICULAR NODULAR HETEROTOPIA 4; HETEROTOPIA, PERIVENTRICULAR, 1; X-linked periventricular heterotopia; PERIVENTRICULAR NODULAR HETEROTOPIA 1. Identifiers: Orphanet 2149, Orphanet 82004, MedGen C1848213, MONDO:0010233, OMIM 300049.
Oto-palato-digital syndrome, type II (OPD2). Also called: Otopalatodigital Syndrome, Type II; Otopalatodigital Syndrome Type 2 (FLNA-OPD2); FACIOPALATOOSSEOUS SYNDROME; OPD II SYNDROME. Identifiers: Orphanet 669, Orphanet 90652, MedGen C1844696, MONDO:0010571, OMIM 304120.
Frontometaphyseal dysplasia (FMD1). Identifiers: Orphanet 1826, MedGen C0265293, MONDO:0015942.
Melnick-Needles syndrome (MNS). Also called: Melnick-Needles Syndrome (FLNA-MNS); MELNICK-NEEDLES OSTEODYSPLASTY; OSTEODYSPLASTY OF MELNICK AND NEEDLES. Identifiers: Orphanet 2484, MedGen C0025237, MONDO:0010650, OMIM 309350.
FLNA-related disorder.

Allele frequency attached by ClinVar (database versions not stated): gnomAD exomes 0.00001 and 0.00006; gnomAD 0.00006 and 0.00004; TOPMed 0.00004; ExAC 0.00003; 1000 Genomes Project 0.00079; 1000 Genomes Project 30x 0.00104.
gnomAD v4.1: 23 of 1,210,196 alleles (0.0019%); highest among the groups gnomAD compares: Admixed American, 0.048%; no homozygotes.

Submissions (4):

Ambry Genetics
Classification: Benign for Familial thoracic aortic aneurysm and aortic dissection. Last evaluated: 2026-03-20. Review status: criteria provided, single submitter. Criteria: Ambry Variant Classification Scheme 2023. Collection method: clinical testing. Allele origin: germline.

Labcorp Genetics (formerly Invitae), Labcorp
Classification: Benign for Oto-palato-digital syndrome, type II; Heterotopia, periventricular, X-linked dominant; Frontometaphyseal dysplasia; Melnick-Needles syndrome. Last evaluated: 2025-12-20. Review status: criteria provided, single submitter. Criteria: Invitae Variant Classification Sherloc (09022015). Collection method: clinical testing. Allele origin: germline.

GeneDx
Classification: Uncertain significance. Last evaluated: 2015-04-17. Review status: criteria provided, single submitter. Criteria: GeneDx Variant Classification (06012015). Collection method: clinical testing. Allele origin: germline. Affected: yes.
Comment: p.Thr2097Ser (T2097S) ACC>AGC: c.6290 C>G in exon 38 of the FLNA gene (NM_001456.3)A variant of unknown significance has been identified in the FLNA gene. The T2097S variant has not been published as a mutation or as a benign polymorphism to our knowledge. The 1000 Genomes Project reports T2097S was observed in 3/694 alleles (0.4%) from individuals of mixed American ancestry, including 2 hemizygous individuals, indicating it may be a rare benign variant in this population. The T2097S variant is a conservative amino acid substitution, which is not likely to impact secondary protein structure as these residues share similar properties. However, this substitution occurs at a position where amino acids with similar properties to Threonine are tolerated across species. Consequently, in silico analysis is inconsistent in its predictions as to whether or not the variant is damaging to the protein structure/function. No missense mutations in nearby residues have been reported in association with PH, indicating this region of the protein may be tolerant of change.Therefore, based on the currently available information, it is unclear whether this variant is a pathogenic mutation or a rare benign variant. This variant was found in TAADV2-1

PreventionGenetics, part of Exact Sciences
Classification: Likely benign for FLNA-related condition. Last evaluated: 2023-01-31. Review status: no assertion criteria provided. Collection method: clinical testing. Allele origin: germline. Not counted in ClinVar's aggregate classification.
Comment: This variant is classified as likely benign based on ACMG/AMP sequence variant interpretation guidelines (Richards et al. 2015 PMID: 25741868, with internal and published modifications).

NM_001110556.2(FLNA):c.6314C>G (p.Thr2105Ser)

Gene: FLNA (filamin A; minus strand). Cytogenetic location: Xq28.
Variant type: single nucleotide variant.
Coding change: c.6314C>G on transcript NM_001110556.2 (MANE Select); coding-DNA position 6314, C replaced by G.
Protein change: p.Thr2105Ser; replaces threonine 2105 with serine.
Molecular consequence: missense variant.
Genome position (GRCh38, 1-based): chrX:154,352,837, G>C on the plus strand (C>G on the coding strand, the complement: FLNA is on the minus strand). VCF-style: chrX-154352837-G-C. GRCh37 (hg19) VCF-style: chrX-153581205-G-C.
Other names: p.T2097S:ACC>AGC; c.6290C>G, p.Thr2097Ser (NM_001456.4); c.6314C>G (NM_001110556.1); short protein forms T2097S, T2105S.
Identifiers: ClinVar variation 213480 (VCV000213480.20), dbSNP rs200200745, ClinGen allele CA321104.